The following is an entry in ClinVar:

ClinVar aggregate classification (germline): Uncertain significance (1 of 4 stars; one submission).

Conditions:
Axenfeld-Rieger syndrome type 3 (RIEG3). Also called: AXENFELD-RIEGER ANOMALY WITH CARDIAC DEFECTS AND/OR SENSORINEURAL HEARING LOSS. Identifiers: Orphanet 782, MedGen C2678503, MONDO:0011233, OMIM 602482.

Submission:

Labcorp Genetics (formerly Invitae), Labcorp
Classification: Uncertain significance for Axenfeld-Rieger syndrome type 3. Last evaluated: 2025-08-19. Review status: criteria provided, single submitter. Criteria: Invitae Variant Classification Sherloc (09022015). Collection method: clinical testing. Allele origin: germline.
Comment: This sequence change replaces isoleucine, which is neutral and non-polar, with asparagine, which is neutral and polar, at codon 126 of the FOXC1 protein (p.Ile126Asn). This variant is not present in population databases (gnomAD no frequency). This missense change has been observed in individual(s) with FOXC1-related conditions (internal data). An algorithm developed to predict the effect of missense changes on protein structure and function (PolyPhen-2) suggests that this variant is likely to be disruptive. This variant disrupts the p.Ile126 amino acid residue in FOXC1. Other variant(s) that disrupt this residue have been observed in individuals with FOXC1-related conditions (PMID: 9620769, 25786029, 32905845), which suggests that this may be a clinically significant amino acid residue. In summary, the available evidence is currently insufficient to determine the role of this variant in disease. Therefore, it has been classified as a Variant of Uncertain Significance.

Literature cited by the submitters: PubMed 9620769; PubMed 25786029; PubMed 32905845.

NM_001453.3(FOXC1):c.377T>A (p.Ile126Asn)

Gene: FOXC1 (forkhead box C1; plus strand). Cytogenetic location: 6p25.3.
Variant type: single nucleotide variant.
Coding change: c.377T>A on transcript NM_001453.3 (MANE Select); coding-DNA position 377, T replaced by A.
Protein change: p.Ile126Asn; replaces isoleucine 126 with asparagine.
Molecular consequence: missense variant.
Genome position (GRCh38, 1-based): chr6:1,610,822, T>A. VCF-style: chr6-1610822-T-A. GRCh37 (hg19) VCF-style: chr6-1611057-T-A.
Other names: short protein forms I126N.
Identifiers: ClinVar variation 4725696 (VCV004725696.1).